The following is an entry in ClinVar:

ClinVar aggregate classification (germline): Likely benign (1 of 4 stars; one submission).

gnomAD v4.1: 368 of 1,603,816 alleles (0.023%); highest among the groups gnomAD compares: East Asian, 0.68%; no homozygotes.

Submission:

CeGaT Center for Human Genetics Tuebingen
Classification: Likely benign. Last evaluated: 2025-05-01. Review status: criteria provided, single submitter. Criteria: CeGaT Center For Human Genetics Tuebingen Variant Classification Criteria Version 2. Collection method: clinical testing. Allele origin: germline. Affected: yes. Observed: 1 variant allele.
Comment: IQSEC1: BP4, BP7

NM_001134382.3(IQSEC1):c.660C>T (p.Asp220=)

Gene: IQSEC1 (IQ motif and Sec7 domain ArfGEF 1; minus strand). Cytogenetic location: 3p25.2.
Variant type: single nucleotide variant.
Coding change: c.660C>T on transcript NM_001134382.3 (MANE Select); coding-DNA position 660, C replaced by T.
Protein change: p.Asp220=; no amino-acid change (aspartic acid 220 retained).
Molecular consequence: synonymous variant.
Genome position (GRCh38, 1-based): chr3:12,936,356, G>A on the plus strand (C>T on the coding strand, the complement: IQSEC1 is on the minus strand). VCF-style: chr3-12936356-G-A. GRCh37 (hg19) VCF-style: chr3-12977856-G-A.
Other names: c.336C>T, p.Asp112= (NM_001330619.3); c.984C>T, p.Asp328= (NM_001376938.2); c.702C>T, p.Asp234= (NM_014869.8).
Identifiers: ClinVar variation 3905042 (VCV003905042.10).